The following is an entry in ClinVar:

NM_004177.5(STX3):c.140A>G (p.Asp47Gly)

Gene: STX3 (syntaxin 3; plus strand). Cytogenetic location: 11q12.1.
Variant type: single nucleotide variant.
Coding change: c.140A>G on transcript NM_004177.5 (MANE Select); coding-DNA position 140, A replaced by G.
Protein change: p.Asp47Gly; replaces aspartic acid 47 with glycine.
Molecular consequence: missense variant.
Genome position (GRCh38, 1-based): chr11:59,787,062, A>G. VCF-style: chr11-59787062-A-G. GRCh37 (hg19) VCF-style: chr11-59554535-A-G.
Other names: c.140A>G, p.Asp47Gly (NM_001178040.3); c.140A>G (NM_004177.4); short protein forms D47G.
Identifiers: ClinVar variation 1354927 (VCV001354927.6), dbSNP rs371596190, ClinGen allele CA6020756.
Genomic context (GRCh38, chr11:59,787,062, plus strand): 5'-TTTGATGATGAAGGTTATTGTCTTTCTGATTATAGATTGAGGAAACTCGGCTTAACATTG[A>G]CAAGATCTCAGAACATGTAGAGGAGGCTAAGAAACTCTACAGTATCATTCTCTCTGCACC-3'
Protein context (NP_004168.1, residues 37-57): SEIEETRLNI[Asp47Gly]KISEHVEEAK

ClinVar aggregate classification (germline): Uncertain significance. Review status: criteria provided, multiple submitters, no conflicts (2 of 4 stars). 2 submissions from 2 submitters: Uncertain significance (2). Last evaluated 2025-09-10.

Conditions:
Inborn genetic diseases. Identifiers: MedGen C0950123, MeSH D030342.

Allele frequency attached by ClinVar (database versions not stated): ExAC 0.00005; gnomAD exomes 0.00005; TOPMed 0.00005; ESP Exome Variant Server 0.00008; gnomAD 0.00002 and 0.00003.
gnomAD v4.1: 84 of 1,614,056 alleles (0.0052%); highest among the groups gnomAD compares: Middle Eastern, 0.016%; 1 homozygote.

Submissions (2):

Ambry Genetics
Classification: Uncertain significance for Inborn genetic diseases. Last evaluated: 2025-09-10. Review status: criteria provided, single submitter. Criteria: Ambry Variant Classification Scheme 2023. Collection method: clinical testing. Allele origin: germline.

Labcorp Genetics (formerly Invitae), Labcorp
Classification: Uncertain significance. Last evaluated: 2022-08-30. Review status: criteria provided, single submitter. Criteria: Invitae Variant Classification Sherloc (09022015). Collection method: clinical testing. Allele origin: germline.
Comment: This sequence change replaces aspartic acid, which is acidic and polar, with glycine, which is neutral and non-polar, at codon 47 of the STX3 protein (p.Asp47Gly). This variant is present in population databases (rs371596190, gnomAD 0.01%). This variant has not been reported in the literature in individuals affected with STX3-related conditions. ClinVar contains an entry for this variant (Variation ID: 1354927). Algorithms developed to predict the effect of missense changes on protein structure and function are either unavailable or do not agree on the potential impact of this missense change (SIFT: "Tolerated"; PolyPhen-2: "Possibly Damaging"; Align-GVGD: "Class C0"). In summary, the available evidence is currently insufficient to determine the role of this variant in disease. Therefore, it has been classified as a Variant of Uncertain Significance.